The following is an entry in ClinVar:

ClinVar aggregate classification (germline): Uncertain significance (1 of 4 stars; one submission).

Conditions:
Developmental and epileptic encephalopathy, 9 (DEE9). Also called: EPILEPSY, FEMALE-RESTRICTED, WITH MENTAL RETARDATION; JUBERG-HELLMAN SYNDROME; Early infantile epileptic encephalopathy 9; PCDH19-Related X-Linked Female-Limited Epilepsy with Mental Retardation. Identifiers: Orphanet 101039, Orphanet 2076, MedGen C1848137, MONDO:0010246, OMIM 300088. Disease mechanism: loss of function.

Submission:

Labcorp Genetics (formerly Invitae), Labcorp
Classification: Uncertain significance for Developmental and epileptic encephalopathy, 9. Last evaluated: 2020-01-30. Review status: criteria provided, single submitter. Criteria: Invitae Variant Classification Sherloc (09022015). Collection method: clinical testing. Allele origin: germline.
Comment: This variant has not been reported in the literature in individuals with PCDH19-related conditions. In summary, the available evidence is currently insufficient to determine the role of this variant in disease. Therefore, it has been classified as a Variant of Uncertain Significance. Algorithms developed to predict the effect of missense changes on protein structure and function are either unavailable or do not agree on the potential impact of this missense change (SIFT: "Deleterious"; PolyPhen-2: "Benign"; Align-GVGD: "Class C0"). This variant is not present in population databases (ExAC no frequency). This sequence change replaces isoleucine with methionine at codon 729 of the PCDH19 protein (p.Ile729Met). The isoleucine residue is highly conserved and there is a small physicochemical difference between isoleucine and methionine.

NM_001184880.2(PCDH19):c.2187A>G (p.Ile729Met)

Gene: PCDH19 (protocadherin 19; minus strand). Cytogenetic location: Xq22.1.
Variant type: single nucleotide variant.
Coding change: c.2187A>G on transcript NM_001184880.2 (MANE Select); coding-DNA position 2187, A replaced by G.
Protein change: p.Ile729Met; replaces isoleucine 729 with methionine.
Molecular consequence: missense variant. On other transcripts: intron variant (2).
Genome position (GRCh38, 1-based): chrX:100,403,625, T>C on the plus strand (A>G on the coding strand, the complement: PCDH19 is on the minus strand). VCF-style: chrX-100403625-T-C. GRCh37 (hg19) VCF-style: chrX-99658623-T-C.
Other names: c.2148-774A>G (NM_020766.3, NM_001105243.2); short protein forms I729M.
Identifiers: ClinVar variation 962633 (VCV000962633.10), dbSNP rs1928262563, ClinGen allele CA414007215.
Genomic context (GRCh38, chrX:100,403,625, plus strand): 5'-TTGCTCCTCGCTAATGGGAGAAACCGAGATGCAATGCAGACACTTGCTGTTTTGTCCTTT[T>C]ATAAAACAGCCGAGGAGACAAGTGATGGTTAAACAATTACTGCAAAGGAATTTAAAGGTT-3'
Protein context (NP_001171809.1, residues 719-739): LTITCLLGCF[Ile729Met]KGQNSKCLHC